The following is an entry in ClinVar:

NM_173728.4(ARHGEF15):c.386C>T (p.Thr129Met)

Gene: ARHGEF15 (Rho guanine nucleotide exchange factor 15; plus strand). Cytogenetic location: 17p13.1.
Variant type: single nucleotide variant.
Coding change: c.386C>T on transcript NM_173728.4 (MANE Select); coding-DNA position 386, C replaced by T.
Protein change: p.Thr129Met; replaces threonine 129 with methionine.
Molecular consequence: missense variant.
Genome position (GRCh38, 1-based): chr17:8,312,425, C>T. VCF-style: chr17-8312425-C-T. GRCh37 (hg19) VCF-style: chr17-8215743-C-T.
Other names: c.386C>T, p.Thr129Met (NM_025014.2); short protein forms T129M.
Identifiers: ClinVar variation 841185 (VCV000841185.10), dbSNP rs747278375, ClinGen allele CA8374848.
Genomic context (GRCh38, chr17:8,312,425, plus strand): 5'-CCCCAGAACCTGCTCCCCGGTCTCCAGTCCCCCCACCCAAGCCGTCTGGGTCACCCTGCA[C>T]GCCTCTGCTCCCCATGGCTGGAGTCCTGGCTCAGAATGGCTCTGCCTCAGCTCCTGGCAC-3'
Protein context (NP_776089.2, residues 119-139): PPPKPSGSPC[Thr129Met]PLLPMAGVLA

ClinVar aggregate classification (germline): Uncertain significance (1 of 4 stars; one submission).

Conditions:
Early-infantile DEE. Also called: Ohtahara syndrome; Early infantile epileptic encephalopathy with suppression bursts; Early infantile epileptic encephalopathy. Identifiers: Orphanet 1934, MedGen C0393706, MONDO:0800491.

Allele frequency attached by ClinVar (database versions not stated): ExAC 0.00001; gnomAD 0.00001 and 0.00002; gnomAD exomes 0.00001; TOPMed 0.00004.
gnomAD v4.1: 53 of 1,613,748 alleles (0.0033%); highest among the groups gnomAD compares: East Asian, 0.0045%; no homozygotes.

Submission:

Labcorp Genetics (formerly Invitae), Labcorp
Classification: Uncertain significance for Early-infantile DEE. Last evaluated: 2025-12-30. Review status: criteria provided, single submitter. Criteria: Invitae Variant Classification Sherloc (09022015). Collection method: clinical testing. Allele origin: germline.
Comment: This sequence change replaces threonine, which is neutral and polar, with methionine, which is neutral and non-polar, at codon 129 of the ARHGEF15 protein (p.Thr129Met). This variant is present in population databases (rs747278375, gnomAD 0.004%). This variant has not been reported in the literature in individuals affected with ARHGEF15-related conditions. ClinVar contains an entry for this variant (Variation ID: 841185). An algorithm developed to predict the effect of missense changes on protein structure and function outputs the following: PolyPhen-2: "Benign". The methionine amino acid residue is found in multiple mammalian species, which suggests that this missense change does not adversely affect protein function. In summary, the available evidence is currently insufficient to determine the role of this variant in disease. Therefore, it has been classified as a Variant of Uncertain Significance.